The following is an entry in ClinVar:

NM_001042492.3(NF1):c.4885C>G (p.Leu1629Val)

Gene: NF1 (neurofibromin 1; plus strand). Cytogenetic location: 17q11.2.
Variant type: single nucleotide variant.
Coding change: c.4885C>G on transcript NM_001042492.3 (MANE Select); coding-DNA position 4885, C replaced by G.
Protein change: p.Leu1629Val; replaces leucine 1629 with valine.
Molecular consequence: missense variant.
Genome position (GRCh38, 1-based): chr17:31,325,869, C>G. VCF-style: chr17-31325869-C-G. GRCh37 (hg19) VCF-style: chr17-29652887-C-G.
Other names: c.4822C>G, p.Leu1608Val (NM_000267.4); short protein forms L1629V, L1608V.
Identifiers: ClinVar variation 1743372 (VCV001743372.4), dbSNP rs2151537656, ClinGen allele CA399007032.

ClinVar aggregate classification (germline): Uncertain significance. Review status: criteria provided, multiple submitters, no conflicts (2 of 4 stars). 2 submissions from 2 submitters: Uncertain significance (2). Last evaluated 2026-03-10.

Conditions:
Neurofibromatosis, type 1 (NF1). Also called: Peripheral type neurofibromatosis; Neurofibromatosis, type I; NEUROFIBROMATOSIS, TYPE I, SOMATIC; VON RECKLINGHAUSEN DISEASE. Identifiers: Orphanet 636, MedGen C0027831, MONDO:0018975, OMIM 162200. Disease mechanism: loss of function.
Hereditary cancer-predisposing syndrome. Also called: Neoplastic Syndromes, Hereditary; Tumor predisposition; Hereditary Cancer Syndrome; Hereditary neoplastic syndrome. Identifiers: Orphanet 140162, MedGen C0027672, MeSH D009386, MONDO:0015356.
Cardiovascular phenotype. Identifiers: MedGen CN230736.

Submissions (2):

Dasa
Classification: Uncertain significance for neurofibromatosis type 1. Last evaluated: 2026-03-10. Review status: criteria provided, single submitter. Criteria: DASA Assertion Criteria. Collection method: clinical testing. Allele origin: germline.
Comment: NM_001042492.3(NF1):c.4885C>G (p.Leu1629Val) is a missense variant that results in the substitution of leucine with valine. This variant is rare in population databases. The currently available literature and clinical evidence are not sufficient to establish a definitive association between this variant and the reported condition. Therefore, this variant is classified as a variant of uncertain significance.

Ambry Genetics
Classification: Uncertain significance for Cardiovascular phenotype; Hereditary cancer-predisposing syndrome. Last evaluated: 2022-09-28. Review status: criteria provided, single submitter. Criteria: Ambry Variant Classification Scheme 2023. Collection method: clinical testing. Allele origin: germline.
Comment: The p.L1608V variant (also known as c.4822C>G), located in coding exon 36 of the NF1 gene, results from a C to G substitution at nucleotide position 4822. The leucine at codon 1608 is replaced by valine, an amino acid with highly similar properties. This amino acid position is conserved. In addition, the in silico prediction for this alteration is inconclusive. Since supporting evidence is limited at this time, the clinical significance of this alteration remains unclear.